The following is an entry in ClinVar:

NM_000397.4(CYBB):c.558_559dup (p.Ile187fs)

Gene: CYBB (cytochrome b-245 beta chain; plus strand). Cytogenetic location: Xp21.1.
Variant type: Duplication.
Coding change: c.558_559dup on transcript NM_000397.4 (MANE Select); coding-DNA positions 558 to 559, 2 bases duplicated (CA; older notation c.558_559dupCA).
Protein change: p.Ile187fs; shifts the reading frame from isoleucine 187.
Molecular consequence: frameshift variant.
Genome position (GRCh38, 1-based): chrX:37,796,025-37,796,026, CA duplicated. VCF-style (leftmost placement, unchanged base first): chrX-37796024-T-TCA. GRCh37 (hg19) VCF-style: chrX-37655277-T-TCA.
Other names: short protein forms I187fs.
Identifiers: ClinVar variation 3722976 (VCV003722976.2).

ClinVar aggregate classification (germline): Pathogenic (1 of 4 stars; one submission).

Conditions:
Granulomatous disease, chronic, X-linked. Also called: GRANULOMATOUS DISEASE, CHRONIC, X-LINKED, SOMATIC MOSAIC; CYTOCHROME b-NEGATIVE GRANULOMATOUS DISEASE, CHRONIC, X-LINKED. Identifiers: Orphanet 379, MedGen C1844376, MONDO:0010600, OMIM 306400.

Submission:

Labcorp Genetics (formerly Invitae), Labcorp
Classification: Pathogenic for Granulomatous disease, chronic, X-linked. Last evaluated: 2024-10-16. Review status: criteria provided, single submitter. Criteria: Invitae Variant Classification Sherloc (09022015). Collection method: clinical testing. Allele origin: germline.
Comment: This sequence change creates a premature translational stop signal (p.Ile187Thrfs*3) in the CYBB gene. It is expected to result in an absent or disrupted protein product. Loss-of-function variants in CYBB are known to be pathogenic (PMID: 9585602, 20729109). This variant is not present in population databases (gnomAD no frequency). This variant has not been reported in the literature in individuals affected with CYBB-related conditions. Algorithms developed to predict the effect of sequence changes on RNA splicing suggest that this variant may disrupt the consensus splice site. For these reasons, this variant has been classified as Pathogenic.

Literature cited by the submitters: PubMed 9585602; PubMed 20729109.